The following is an entry in ClinVar:

NM_002861.5(PCYT2):c.179-4del

Gene: PCYT2 (phosphate cytidylyltransferase 2, ethanolamine; minus strand). Cytogenetic location: 17q25.3.
Variant type: Deletion.
Coding change: c.179-4del on transcript NM_002861.5 (MANE Select); 4 bases into the intron before coding-DNA position 179, one base deleted (C; older notation c.179-4delC).
Molecular consequence: intron variant. On other transcripts: 5 prime UTR variant (2).
Genome position (GRCh38, 1-based): chr17:81,909,041, G deleted on the plus strand (C on the coding strand, the reverse complement: PCYT2 is on the minus strand); the first of 2 consecutive G bases (chr17:81,909,041-81,909,042); deleting either gives the same sequence. VCF-style (leftmost placement, unchanged base first): chr17-81909040-AG-A. GRCh37 (hg19) VCF-style: chr17-79866916-AG-A.
Other names: c.-60del (NM_001256435.3, NM_001282203.2); c.179-407del (NM_001256433.3); c.4-6del (NM_001256434.3); c.179-4del (NM_001330518.2, NM_001184917.3); c.83-4del (NM_001282204.2).
Identifiers: ClinVar variation 2266145 (VCV002266145.2), dbSNP rs2510065427, ClinGen allele CA2580095350.

ClinVar aggregate classification (germline): Uncertain significance (1 of 4 stars; one submission).

Conditions:
Inborn genetic diseases. Identifiers: MedGen C0950123, MeSH D030342.

Submission:

Ambry Genetics
Classification: Uncertain significance for Inborn genetic diseases. Last evaluated: 2022-01-25. Review status: criteria provided, single submitter. Criteria: Ambry Variant Classification Scheme 2023. Collection method: clinical testing. Allele origin: germline.
Comment: The c.179-4delC alteration is located in intron 2 of the PCYT2 gene. This alteration consists of a deletion of 1 nucleotides at nucleotide position c.179-4. Based on insufficient or conflicting evidence, the clinical significance of this alteration remains unclear.